The following is an entry in ClinVar:

NM_001349338.3(FOXP1):c.159C>A (p.His53Gln)

Gene: FOXP1 (forkhead box P1; minus strand). Cytogenetic location: 3p13.
Variant type: single nucleotide variant.
Coding change: c.159C>A on transcript NM_001349338.3 (MANE Select); coding-DNA position 159, C replaced by A.
Protein change: p.His53Gln; replaces histidine 53 with glutamine.
Molecular consequence: missense variant. On other transcripts: non-coding transcript variant (2).
Genome position (GRCh38, 1-based): chr3:71,198,223, G>T on the plus strand (C>A on the coding strand, the complement: FOXP1 is on the minus strand). VCF-style: chr3-71198223-G-T. GRCh37 (hg19) VCF-style: chr3-71247374-G-T.
Other names: c.159C>A (NM_032682.5); c.159C>A, p.His53Gln (NM_001012505.2, NM_001244808.3, NM_001244810.2 and 6 more transcripts); short protein forms H53Q.
Identifiers: ClinVar variation 1699398 (VCV001699398.9), dbSNP rs777378675, ClinGen allele CA2491442.

ClinVar aggregate classification (germline): Benign/Likely benign. Review status: criteria provided, multiple submitters, no conflicts (2 of 4 stars). 3 submissions from 3 submitters: Benign (1); Likely benign (1). 1 of the submissions does not count toward it. Last evaluated 2025-12-08.

Conditions:
Intellectual disability-severe speech delay-mild dysmorphism syndrome (IDDLA). Also called: Mental retardation with language impairment and autistic features; Intellectual developmental disorder with language impairment AND with or without autistic features; FOXP1 Syndrome. Identifiers: Orphanet 391372, MedGen C4013764, MONDO:0013352, OMIM 613670.
FOXP1-related disorder. Also called: FOXP1-related condition.

gnomAD v4.1: 79 of 1,614,088 alleles (0.0049%); highest among the groups gnomAD compares: East Asian, 0.16%; no homozygotes.

Submissions (3):

Labcorp Genetics (formerly Invitae), Labcorp
Classification: Benign. Last evaluated: 2025-12-08. Review status: criteria provided, single submitter. Criteria: Invitae Variant Classification Sherloc (09022015). Collection method: clinical testing. Allele origin: germline.

Victorian Clinical Genetics Services, Murdoch Childrens Research Institute
Classification: Likely benign for Intellectual disability-severe speech delay-mild dysmorphism syndrome. Last evaluated: 2022-02-02. Review status: criteria provided, single submitter. Criteria: ACMG Guidelines, 2015. Collection method: clinical testing. Allele origin: germline. Inheritance: Autosomal dominant inheritance.
Comment: Based on the classification scheme VCGS_Germline_v1.3.4, this variant is classified as likely benign. Following criteria are met: 0308 - Population frequency for this variant is out of keeping with known incidence of intellectual disability with language impairment and with or without autistic features, (MIM#613670), Autosomal dominant. (SB) Legend: (SP) - Supporting pathogenic, (I) - Information, (SB) - Supporting benign

PreventionGenetics, part of Exact Sciences
Classification: Likely benign for FOXP1-related condition. Last evaluated: 2021-01-18. Review status: no assertion criteria provided. Collection method: clinical testing. Allele origin: germline. Not counted in ClinVar's aggregate classification.
Comment: This variant is classified as likely benign based on ACMG/AMP sequence variant interpretation guidelines (Richards et al. 2015 PMID: 25741868, with internal and published modifications).